The following is an entry in ClinVar:

NM_006031.6(PCNT):c.721-13T>G

Gene: PCNT (pericentrin; plus strand). Cytogenetic location: 21q22.3.
Variant type: single nucleotide variant.
Coding change: c.721-13T>G on transcript NM_006031.6 (MANE Select); 13 bases into the intron before coding-DNA position 721, T replaced by G.
Molecular consequence: intron variant.
Genome position (GRCh38, 1-based): chr21:46,346,730, T>G. VCF-style: chr21-46346730-T-G. GRCh37 (hg19) VCF-style: chr21-47766644-T-G.
Other names: c.367-13T>G (NM_001315529.2).
Identifiers: ClinVar variation 514179 (VCV000514179.4), dbSNP rs748762743, ClinGen allele CA10078389.

ClinVar aggregate classification (germline): Benign/Likely benign. Review status: criteria provided, multiple submitters, no conflicts (2 of 4 stars). 2 submissions from 2 submitters: Benign (1); Likely benign (1). Last evaluated 2025-11-25.

Allele frequency attached by ClinVar (database versions not stated): gnomAD below 0.00001 and 0.00002; TOPMed below 0.00001; gnomAD exomes 0.00004 and 0.00009; ExAC 0.00022.
gnomAD v4.1: 66 of 1,592,538 alleles (0.0041%); highest among the groups gnomAD compares: South Asian, 0.073%; 2 homozygotes.

Submissions (2):

Labcorp Genetics (formerly Invitae), Labcorp
Classification: Benign. Last evaluated: 2025-11-25. Review status: criteria provided, single submitter. Criteria: Invitae Variant Classification Sherloc (09022015). Collection method: clinical testing. Allele origin: germline.

GeneDx
Classification: Likely benign. Last evaluated: 2017-12-22. Review status: criteria provided, single submitter. Criteria: GeneDx Variant Classification (06012015). Collection method: clinical testing. Allele origin: germline. Affected: yes.
Comment: This variant is considered likely benign or benign based on one or more of the following criteria: it is a conservative change, it occurs at a poorly conserved position in the protein, it is predicted to be benign by multiple in silico algorithms, and/or has population frequency not consistent with disease.